The following is an entry in ClinVar:

ClinVar aggregate classification (germline): Uncertain significance (1 of 4 stars; one submission).

Conditions:
Hereditary cancer-predisposing syndrome. Also called: Neoplastic Syndromes, Hereditary; Tumor predisposition; Hereditary Cancer Syndrome; Hereditary neoplastic syndrome. Identifiers: Orphanet 140162, MedGen C0027672, MeSH D009386, MONDO:0015356.

Submission:

Ambry Genetics
Classification: Uncertain significance for Hereditary cancer-predisposing syndrome. Last evaluated: 2025-11-25. Review status: criteria provided, single submitter. Criteria: Ambry Variant Classification Scheme 2023. Collection method: clinical testing. Allele origin: germline.
Comment: The c.1890C>T variant (also known as p.S630S), located in coding exon 6 of the AXIN2 gene, results from a C to T substitution at nucleotide position 1890. This nucleotide substitution does not change the amino acid at codon 630. This nucleotide position is highly conserved in available vertebrate species. In silico splice site analysis predicts that this alteration may result in the creation or strengthening of a novel splice donor site; however, direct evidence is insufficient at this time (Ambry internal data). Based on the available evidence, the clinical significance of this variant remains unclear.

NM_004655.4(AXIN2):c.1890C>T (p.Ser630=)

Gene: AXIN2 (axin 2; minus strand). Cytogenetic location: 17q24.1.
Variant type: single nucleotide variant.
Coding change: c.1890C>T on transcript NM_004655.4 (MANE Select); coding-DNA position 1890, C replaced by T.
Protein change: p.Ser630=; no amino-acid change (serine 630 retained).
Molecular consequence: synonymous variant. On other transcripts: intron variant (1).
Genome position (GRCh38, 1-based): chr17:65,536,886, G>A on the plus strand (C>T on the coding strand, the complement: AXIN2 is on the minus strand). VCF-style: chr17-65536886-G-A. GRCh37 (hg19) VCF-style: chr17-63533004-G-A.
Other names: c.1713-333C>T (NM_001363813.1).
Identifiers: ClinVar variation 4619757 (VCV004619757.1).